The following is an entry in ClinVar:

ClinVar aggregate classification (germline): Uncertain significance. Review status: criteria provided, multiple submitters, no conflicts (2 of 4 stars). 2 submissions from 2 submitters: Uncertain significance (2). Last evaluated 2022-02-11.

Conditions:
Hereditary cancer-predisposing syndrome. Also called: Neoplastic Syndromes, Hereditary; Tumor predisposition; Hereditary Cancer Syndrome; Hereditary neoplastic syndrome. Identifiers: Orphanet 140162, MedGen C0027672, MeSH D009386, MONDO:0015356.
Familial adenomatous polyposis 1 (FAP1). Also called: FAMILIAL ADENOMATOUS POLYPOSIS 1, ATTENUATED; POLYPOSIS, ADENOMATOUS INTESTINAL. Identifiers: MedGen C2713442, MONDO:0021056, OMIM 175100. Disease mechanism: loss of function.

Submissions (2):

Labcorp Genetics (formerly Invitae), Labcorp
Classification: Uncertain significance for Familial adenomatous polyposis 1. Last evaluated: 2022-02-11. Review status: criteria provided, single submitter. Criteria: Invitae Variant Classification Sherloc (09022015). Collection method: clinical testing. Allele origin: germline.
Comment: In summary, the available evidence is currently insufficient to determine the role of this variant in disease. Therefore, it has been classified as a Variant of Uncertain Significance. Experimental studies and prediction algorithms are not available or were not evaluated, and the functional significance of this variant is currently unknown. This variant has not been reported in the literature in individuals affected with APC-related conditions. This variant is not present in population databases (gnomAD no frequency). This variant, c.3259_3261del, results in the deletion of 1 amino acid(s) of the APC protein (p.Leu1087del), but otherwise preserves the integrity of the reading frame.

Ambry Genetics
Classification: Uncertain significance for Hereditary cancer-predisposing syndrome. Last evaluated: 2021-03-26. Review status: criteria provided, single submitter. Criteria: Ambry Variant Classification Scheme 2023. Collection method: clinical testing. Allele origin: germline.
Comment: The c.3259_3261delCTC variant (also known as p.L1087del) is located in coding exon 15 of the APC gene. This variant results from an in-frame CTC deletion at nucleotide positions 3259 to 3261. This results in the in-frame deletion of a leucine at codon 1087. This amino acid position is not well conserved in available vertebrate species. In addition, this alteration is predicted to be neutral by in silico analysis (Choi Y et al. PLoS ONE. 2012; 7(10):e46688). Since supporting evidence is limited at this time, the clinical significance of this alteration remains unclear.

NM_000038.6(APC):c.3259_3261del (p.Leu1087del)

Gene: APC (APC regulator of Wnt signaling pathway; plus strand). Cytogenetic location: 5q22.2.
Variant type: Deletion.
Coding change: c.3259_3261del on transcript NM_000038.6 (MANE Select); coding-DNA positions 3259 to 3261, 3 bases deleted (CTC; older notation c.3259_3261delCTC).
Protein change: p.Leu1087del; deletes leucine 1087.
Molecular consequence: inframe deletion. On other transcripts: inframe indel (20).
Genome position (GRCh38, 1-based): chr5:112,838,853-112,838,855, CTC deleted; deleting any 3 consecutive bases within chr5:112,838,852-112,838,855 gives the same sequence; the c. name uses the placement nearest the transcript's 3' end. VCF-style (leftmost placement, unchanged base first): chr5-112838851-ACCT-A. GRCh37 (hg19) VCF-style: chr5-112174548-ACCT-A.
Other names: c.3313_3315delCTC, p.Leu1105del (NM_001407449.1, NM_001407447.1, NM_001407448.1); c.3259_3261delCTC, p.Leu1087del (NM_001407450.1); c.3238_3240delCTC, p.Leu1080del (NM_001407451.1); c.3229_3231delCTC, p.Leu1077del (NM_001407452.1); c.3082_3084delCTC, p.Leu1028del (NM_001407453.1); c.3010_3012delCTC, p.Leu1004del (NM_001407454.1, NM_001407455.1, NM_001407456.1 and 1 more transcripts); c.2956_2958delCTC, p.Leu986del (NM_001407458.1, NM_001407459.1, NM_001407460.1); c.2872_2874delCTC, p.Leu958del (NM_001407467.1, NM_001407469.1); and 16 more; short protein forms L1059del, L703del, L804del, L958del, L961del, L1062del, L927del, L1046del.
Identifiers: ClinVar variation 1729488 (VCV001729488.7), dbSNP rs2533484214, ClinGen allele CA2580072931.